The following is an entry in ClinVar:

NM_001378454.1(ALMS1):c.4916_4919del (p.Lys1639fs)

Gene: ALMS1 (ALMS1 centrosome and basal body associated protein; plus strand). Cytogenetic location: 2p13.1.
Variant type: Deletion.
Coding change: c.4916_4919del on transcript NM_001378454.1 (MANE Select); coding-DNA positions 4916 to 4919, 4 bases deleted (AAGA; older notation c.4916_4919delAAGA).
Protein change: p.Lys1639fs; shifts the reading frame from lysine 1639.
Molecular consequence: frameshift variant.
Genome position (GRCh38, 1-based): chr2:73,451,443-73,451,446, AAGA deleted; deleting any 4 consecutive bases within chr2:73,451,442-73,451,446 gives the same sequence; the c. name uses the placement nearest the transcript's 3' end. VCF-style (leftmost placement, unchanged base first): chr2-73451441-TAAAG-T. GRCh37 (hg19) VCF-style: chr2-73678568-TAAAG-T.
Other names: c.4919_4922del, p.Lys1640fs (NM_015120.4); c.4919_4922delAAGA (NM_015120.4); short protein forms K1639fs, K1640fs.
Identifiers: ClinVar variation 1440309 (VCV001440309.7), dbSNP rs1439452693, ClinGen allele CA892813905.

ClinVar aggregate classification (germline): Pathogenic/Likely pathogenic. Review status: criteria provided, multiple submitters, no conflicts (2 of 4 stars). 2 submissions from 2 submitters: Pathogenic (1); Likely pathogenic (1). Last evaluated 2024-12-27.

Conditions:
Alstrom syndrome (ALMS). Identifiers: Orphanet 64, MedGen C0268425, MONDO:0008763, OMIM 203800.

Submissions (2):

Natera, Inc.
Classification: Likely pathogenic for Alstrom syndrome. Last evaluated: 2024-12-27. Review status: criteria provided, single submitter. Criteria: Natera Variant Classification Schema (03/2026). Collection method: clinical testing. Allele origin: germline.
Comment: The c.4919_4922delAAGA variant in ALMS1 is a frameshift variant predicted to shift the reading frame beginning at codon 1640 and leads to a stop codon 3 codons downstream. This variant is expected to result in nonsense mediated decay, truncation, or a dysfunctional protein product. This variant is rare in the general population with a frequency below the threshold expected for the associated phenotype(s). Given the available evidence, this variant is classified as Likely Pathogenic.

Labcorp Genetics (formerly Invitae), Labcorp
Classification: Pathogenic for Alstrom syndrome. Last evaluated: 2024-11-12. Review status: criteria provided, single submitter. Criteria: Invitae Variant Classification Sherloc (09022015). Collection method: clinical testing. Allele origin: germline.
Comment: This sequence change creates a premature translational stop signal (p.Lys1640Argfs*3) in the ALMS1 gene. It is expected to result in an absent or disrupted protein product. Loss-of-function variants in ALMS1 are known to be pathogenic (PMID: 17594715). This variant is not present in population databases (gnomAD no frequency). This variant has not been reported in the literature in individuals affected with ALMS1-related conditions. ClinVar contains an entry for this variant (Variation ID: 1440309). For these reasons, this variant has been classified as Pathogenic.

Literature cited by the submitters: PubMed 17594715 (cited by Labcorp Genetics (formerly Invitae), Labcorp).